The following is an entry in ClinVar:

NM_012431.3(SEMA3E):c.1876G>T (p.Val626Leu)

Gene: SEMA3E (semaphorin 3E; minus strand). Cytogenetic location: 7q21.11.
Variant type: single nucleotide variant.
Coding change: c.1876G>T on transcript NM_012431.3 (MANE Select); coding-DNA position 1876, G replaced by T.
Protein change: p.Val626Leu; replaces valine 626 with leucine.
Molecular consequence: missense variant.
Genome position (GRCh38, 1-based): chr7:83,368,038, C>A on the plus strand (G>T on the coding strand, the complement: SEMA3E is on the minus strand). VCF-style: chr7-83368038-C-A. GRCh37 (hg19) VCF-style: chr7-82997354-C-A.
Other names: c.1696G>T, p.Val566Leu (NM_001178129.2); short protein forms V566L, V626L.
Identifiers: ClinVar variation 5001038 (VCV005001038.1).

ClinVar aggregate classification (germline): Uncertain significance (1 of 4 stars; one submission).

Conditions:
SEMA3E-related disorder. Also called: SEMA3E-related condition.

Submission:

PreventionGenetics, part of Exact Sciences
Classification: Uncertain significance for SEMA3E-related condition. Last evaluated: 2026-04-23. Review status: criteria provided, single submitter. Criteria: ACMG Guidelines, 2015. Collection method: clinical testing. Allele origin: germline.
Comment: The SEMA3E c.1876G>T variant is predicted to result in the amino acid substitution p.Val626Leu. To our knowledge, this variant has not been reported in the literature or in a large population database (gnomAD), indicating this variant is rare. At this time, the clinical significance of this variant is uncertain due to the absence of conclusive functional and genetic evidence.